The following is an entry in ClinVar:

NM_000038.6(APC):c.4880A>G (p.Gln1627Arg)

Gene: APC (APC regulator of Wnt signaling pathway; plus strand). Cytogenetic location: 5q22.2.
Variant type: single nucleotide variant.
Coding change: c.4880A>G on transcript NM_000038.6 (MANE Select); coding-DNA position 4880, A replaced by G.
Protein change: p.Gln1627Arg; replaces glutamine 1627 with arginine.
Molecular consequence: missense variant.
Genome position (GRCh38, 1-based): chr5:112,840,474, A>G. VCF-style: chr5-112840474-A-G. GRCh37 (hg19) VCF-style: chr5-112176171-A-G.
Other names: c.4400A>G, p.Gln1467Arg (NM_001354905.2); c.4502A>G, p.Gln1501Arg (NM_001354904.2); c.4607A>G, p.Gln1536Arg (NM_001354902.2); c.4577A>G, p.Gln1526Arg (NM_001354903.2, NM_001407458.1, NM_001407459.1 and 1 more transcripts); c.4703A>G, p.Gln1568Arg (NM_001354901.2, NM_001407453.1); c.4880A>G, p.Gln1627Arg (NM_001127510.3, NM_001354895.2, NM_001407450.1); c.4826A>G, p.Gln1609Arg (NM_001127511.3); c.4934A>G, p.Gln1645Arg (NM_001354896.2, NM_001407447.1, NM_001407448.1 and 1 more transcripts); and 11 more; short protein forms Q1344R, Q1467R, Q1498R, Q1526R, Q1586R, Q1599R, Q1620R, Q1655R.
Identifiers: ClinVar variation 1743792 (VCV001743792.2), dbSNP rs2149926338, ClinGen allele CA16032024.

ClinVar aggregate classification (germline): Uncertain significance (1 of 4 stars; one submission).

Conditions:
Hereditary cancer-predisposing syndrome. Also called: Hereditary Cancer Syndrome; Neoplastic Syndromes, Hereditary; Tumor predisposition; Hereditary neoplastic syndrome. Identifiers: Orphanet 140162, MedGen C0027672, MeSH D009386, MONDO:0015356.

Submission:

Ambry Genetics
Classification: Uncertain significance for Hereditary cancer-predisposing syndrome. Last evaluated: 2022-07-19. Review status: criteria provided, single submitter. Criteria: Ambry Variant Classification Scheme 2023. Collection method: clinical testing. Allele origin: germline.
Comment: The p.Q1627R variant (also known as c.4880A>G), located in coding exon 15 of the APC gene, results from an A to G substitution at nucleotide position 4880. The glutamine at codon 1627 is replaced by arginine, an amino acid with highly similar properties. This amino acid position is conserved. In addition, in silico predictors for this gene do not accurately predict pathogenicity. Since supporting evidence is limited at this time, the clinical significance of this alteration remains unclear.